The following is an entry in ClinVar:

ClinVar aggregate classification (germline): Pathogenic/Likely pathogenic. Review status: criteria provided, multiple submitters, no conflicts (2 of 4 stars). 2 submissions from 2 submitters: Pathogenic (1); Likely pathogenic (1). Last evaluated 2024-11-19.

Conditions:
KATNIP & KIAA0556-related disorders.

Submissions (2):

Labcorp Genetics (formerly Invitae), Labcorp
Classification: Pathogenic. Last evaluated: 2024-11-19. Review status: criteria provided, single submitter. Criteria: Invitae Variant Classification Sherloc (09022015). Collection method: clinical testing. Allele origin: germline.
Comment: This sequence change creates a premature translational stop signal (p.Leu6Alafs*19) in the KIAA0556 gene. It is expected to result in an absent or disrupted protein product. Loss-of-function variants in KIAA0556 are known to be pathogenic (PMID: 26714646, 27245168). This variant is present in population databases (no rsID available, gnomAD 0.002%). This variant has not been reported in the literature in individuals affected with KIAA0556-related conditions. For these reasons, this variant has been classified as Pathogenic.

Blueprint Genetics
Classification: Likely pathogenic for KATNIP & KIAA0556-related disorders. Last evaluated: 2024-08-07. Review status: criteria provided, single submitter. Criteria: ACMG Guidelines, 2015. Collection method: clinical testing. Allele origin: germline. Affected: yes. Observed: 3 variant alleles.

Literature cited by the submitters: PubMed 26714646 (cited by Labcorp Genetics (formerly Invitae), Labcorp); PubMed 27245168 (cited by Labcorp Genetics (formerly Invitae), Labcorp).

NM_015202.5(KATNIP):c.16_17del (p.Leu6fs)

Gene: KATNIP (katanin interacting protein; plus strand). Cytogenetic location: 16p12.1.
Variant type: Microsatellite.
Coding change: c.16_17del on transcript NM_015202.5 (MANE Select); coding-DNA positions 16 to 17, 2 bases deleted (CT; older notation c.16_17delCT).
Protein change: p.Leu6fs; shifts the reading frame from leucine 6.
Molecular consequence: frameshift variant.
Genome position (GRCh38, 1-based): chr16:27,573,909-27,573,910, CT deleted; deleting any 2 consecutive bases within chr16:27,573,907-27,573,910 gives the same sequence; the c. name uses the placement nearest the transcript's 3' end. VCF-style (leftmost placement, unchanged base first): chr16-27573906-ACT-A. GRCh37 (hg19) VCF-style: chr16-27585227-ACT-A.
Other names: short protein forms L6fs.
Identifiers: ClinVar variation 3708847 (VCV003708847.3), dbSNP rs1226504776.